The following is an entry in ClinVar:

NM_001793.6(CDH3):c.2239C>A (p.Arg747=)

Gene: CDH3 (cadherin 3; plus strand). Cytogenetic location: 16q22.1.
Variant type: single nucleotide variant.
Coding change: c.2239C>A on transcript NM_001793.6 (MANE Select); coding-DNA position 2239, C replaced by A.
Protein change: p.Arg747=; no amino-acid change (arginine 747 retained).
Molecular consequence: synonymous variant.
Genome position (GRCh38, 1-based): chr16:68,695,882, C>A. VCF-style: chr16-68695882-C-A. GRCh37 (hg19) VCF-style: chr16-68729785-C-A.
Other names: c.2239C>A, p.Arg747= (NM_001317195.3); c.2074C>A, p.Arg692= (NM_001317196.2).
Identifiers: ClinVar variation 93783 (VCV000093783.23), dbSNP rs17715450, ClinGen allele CA147289.

ClinVar aggregate classification (germline): Benign. Review status: criteria provided, multiple submitters, no conflicts (2 of 4 stars). 9 submissions from 8 submitters: Benign (9). Last evaluated 2026-02-04.

Conditions:
Congenital hypotrichosis with juvenile macular dystrophy (HJMD). Also called: HYPOTRICHOSIS WITH CONE-ROD DYSTROPHY. Identifiers: Orphanet 1573, MedGen C1832162, MONDO:0011107, OMIM 601553.
EEM syndrome (EEMS). Identifiers: Orphanet 1897, MedGen C1857041, MONDO:0009155, OMIM 225280.

Allele frequency attached by ClinVar (database versions not stated): 1000 Genomes Project 30x 0.45924; 1000 Genomes Project 0.46685; TOPMed 0.48027; ESP Exome Variant Server 0.50139; gnomAD exomes 0.53279; ExAC 0.53302.
gnomAD v4.1: 913,344 of 1,613,546 alleles (57%); highest among the groups gnomAD compares: Non-Finnish European, 59%; 262,681 homozygotes.

Submissions (9):

Labcorp Genetics (formerly Invitae), Labcorp
Classification: Benign. Last evaluated: 2026-02-04. Review status: criteria provided, single submitter. Criteria: Invitae Variant Classification Sherloc (09022015). Collection method: clinical testing. Allele origin: germline.

Blueprint Genetics
Classification: Benign. Last evaluated: 2024-11-28. Review status: criteria provided, single submitter. Criteria: ACMG Guidelines, 2015. Collection method: clinical testing. Allele origin: germline.

Genome-Nilou Lab
Classification: Benign for EEM syndrome. Last evaluated: 2021-07-14. Review status: criteria provided, single submitter. Criteria: ACMG Guidelines, 2015. Collection method: clinical testing. Allele origin: germline. Affected: no.

Genome-Nilou Lab
Classification: Benign for Congenital hypotrichosis with juvenile macular dystrophy. Last evaluated: 2021-07-14. Review status: criteria provided, single submitter. Criteria: ACMG Guidelines, 2015. Collection method: clinical testing. Allele origin: germline. Affected: no.

Mendelics
Classification: Benign for EEM syndrome. Last evaluated: 2019-05-28. Review status: criteria provided, single submitter. Criteria: Mendelics Assertion Criteria 2017. Collection method: clinical testing. Allele origin: unknown.

GeneDx
Classification: Benign. Last evaluated: 2018-04-26. Review status: criteria provided, single submitter. Criteria: GeneDx Variant Classification (06012015). Collection method: clinical testing. Allele origin: germline. Affected: yes.
Comment: This variant is considered likely benign or benign based on one or more of the following criteria: it is a conservative change, it occurs at a poorly conserved position in the protein, it is predicted to be benign by multiple in silico algorithms, and/or has population frequency not consistent with disease.

Illumina Laboratory Services, Illumina
Classification: Benign for EEM syndrome. Last evaluated: 2018-01-12. Review status: criteria provided, single submitter. Criteria: ICSL Variant Classification Criteria 13 December 2019. Collection method: clinical testing. Allele origin: germline.
Comment: This variant was observed in the ICSL laboratory as part of a predisposition screen in an ostensibly healthy population. It had not been previously curated by ICSL or reported in the Human Gene Mutation Database (HGMD: prior to June 1st, 2018), and was therefore a candidate for classification through an automated scoring system. Utilizing variant allele frequency, disease prevalence and penetrance estimates, and inheritance mode, an automated score was calculated to assess if this variant is too frequent to cause the disease. Based on the score and internal cut-off values, a variant classified as benign is not then subjected to further curation. The score for this variant resulted in a classification of benign for this disease.

Eurofins Ntd Llc (ga)
Classification: Benign. Last evaluated: 2013-10-02. Review status: criteria provided, single submitter. Criteria: EGL Classification Definitions 2015. Collection method: clinical testing. Allele origin: germline. Observed: 1 variant allele, 1 homozygote.

Breakthrough Genomics
Classification: Benign. Review status: criteria provided, single submitter. Criteria: ACMG Guidelines, 2015. Collection method: not provided. Allele origin: germline. Inheritance: Autosomal recessive inheritance. Affected: yes.